The following is an entry in ClinVar:

ClinVar aggregate classification (germline): Pathogenic (1 of 4 stars; one submission).

Conditions:
Vici syndrome (VICIS). Identifiers: Orphanet 1493, MedGen C1855772, MONDO:0009452, OMIM 242840.

Allele frequency attached by ClinVar (database versions not stated): gnomAD exomes below 0.00001.
gnomAD v4.1: 5 of 1,614,208 alleles (0.00031%); highest among the groups gnomAD compares: Non-Finnish European, 0.00042%; no homozygotes.

Submission:

Labcorp Genetics (formerly Invitae), Labcorp
Classification: Pathogenic for Vici syndrome. Last evaluated: 2023-09-26. Review status: criteria provided, single submitter. Criteria: Invitae Variant Classification Sherloc (09022015). Collection method: clinical testing. Allele origin: germline.
Comment: For these reasons, this variant has been classified as Pathogenic. Algorithms developed to predict the effect of sequence changes on RNA splicing suggest that this variant may disrupt the consensus splice site. This variant has not been reported in the literature in individuals affected with EPG5-related conditions. This variant is not present in population databases (gnomAD no frequency). This sequence change creates a premature translational stop signal (p.Gln985*) in the EPG5 gene. It is expected to result in an absent or disrupted protein product. Loss-of-function variants in EPG5 are known to be pathogenic (PMID: 23222957, 23674064).

Literature cited by the submitters: PubMed 23222957; PubMed 23674064.

NM_020964.3(EPG5):c.2953C>T (p.Gln985Ter)

Gene: EPG5 (ectopic P-granules 5 autophagy tethering factor; minus strand). Cytogenetic location: 18q21.1.
Variant type: single nucleotide variant.
Coding change: c.2953C>T on transcript NM_020964.3 (MANE Select); coding-DNA position 2953, C replaced by T.
Protein change: p.Gln985Ter; replaces glutamine 985 with a stop codon.
Molecular consequence: nonsense.
Genome position (GRCh38, 1-based): chr18:45,922,486, G>A on the plus strand (C>T on the coding strand, the complement: EPG5 is on the minus strand). VCF-style: chr18-45922486-G-A. GRCh37 (hg19) VCF-style: chr18-43502452-G-A.
Other names: c.2953C>T, p.Gln985Ter (NM_001410858.1, NM_001410859.1); short protein forms Q985*.
Identifiers: ClinVar variation 2982389 (VCV002982389.3), dbSNP rs2050180962, ClinGen allele CA402344281.